The following is an entry in ClinVar:

ClinVar aggregate classification (germline): Uncertain significance (1 of 4 stars; one submission).

Conditions:
Hereditary cancer-predisposing syndrome. Also called: Tumor predisposition; Neoplastic Syndromes, Hereditary; Hereditary Cancer Syndrome; Hereditary neoplastic syndrome. Identifiers: Orphanet 140162, MedGen C0027672, MeSH D009386, MONDO:0015356.

Submission:

Ambry Genetics
Classification: Uncertain significance for Hereditary cancer-predisposing syndrome. Last evaluated: 2021-12-09. Review status: criteria provided, single submitter. Criteria: Ambry Variant Classification Scheme 2023. Collection method: clinical testing. Allele origin: germline.
Comment: The p.S1033R variant (also known as c.3099C>G), located in coding exon 18 of the PTCH1 gene, results from a C to G substitution at nucleotide position 3099. The serine at codon 1033 is replaced by arginine, an amino acid with dissimilar properties. This amino acid position is highly conserved in available vertebrate species. In addition, this alteration is predicted to be deleterious by in silico analysis. Since supporting evidence is limited at this time, the clinical significance of this alteration remains unclear.

NM_000264.5(PTCH1):c.3099C>G (p.Ser1033Arg)

Gene: PTCH1 (patched 1; minus strand). Cytogenetic location: 9q22.32.
Variant type: single nucleotide variant.
Coding change: c.3099C>G on transcript NM_000264.5 (MANE Select); coding-DNA position 3099, C replaced by G.
Protein change: p.Ser1033Arg; replaces serine 1033 with arginine.
Molecular consequence: missense variant. On other transcripts: non-coding transcript variant (1).
Genome position (GRCh38, 1-based): chr9:95,458,082, G>C on the plus strand (C>G on the coding strand, the complement: PTCH1 is on the minus strand). VCF-style: chr9-95458082-G-C. GRCh37 (hg19) VCF-style: chr9-98220364-G-C.
Other names: c.2901C>G, p.Ser967Arg (NM_001083602.3); c.3096C>G, p.Ser1032Arg (NM_001083603.3); c.2646C>G, p.Ser882Arg (NM_001083604.3, NM_001083605.3, NM_001083606.3 and 1 more transcripts); c.2943C>G, p.Ser981Arg (NM_001354918.2); short protein forms S882R, S1033R, S967R, S1032R, S981R.
Identifiers: ClinVar variation 1727539 (VCV001727539.2), dbSNP rs1256956712, ClinGen allele CA374112392.